The following is an entry in ClinVar:

NM_004287.5(GOSR2):c.336+45G>T

Genes: GOSR2 (golgi SNAP receptor complex member 2; plus strand), LRRC37A2 (leucine rich repeat containing 37 member A2). Cytogenetic location: 17q21.32.
Variant type: single nucleotide variant.
Coding change: c.336+45G>T on transcript NM_004287.5 (MANE Select); 45 bases into the intron after coding-DNA position 336, G replaced by T.
Molecular consequence: intron variant.
Genome position (GRCh38, 1-based): chr17:46,932,244, G>T. VCF-style: chr17-46932244-G-T. GRCh37 (hg19) VCF-style: chr17-45009610-G-T.
Other names: c.336+45G>T (NM_001321133.2, NM_054022.4, NM_001330252.2 and 1 more transcripts); c.282+45G>T (NM_001363851.2, NM_001321134.2); c.333+45G>T (NM_001353114.2, NM_001353115.2, NM_001353116.2).
Identifiers: ClinVar variation 670820 (VCV000670820.2), dbSNP rs16941300, ClinGen allele CA8621242.

ClinVar aggregate classification (germline): Benign. Review status: criteria provided, multiple submitters, no conflicts (2 of 4 stars). 2 submissions from 2 submitters: Benign (2). Last evaluated 2018-06-14.

Allele frequency attached by ClinVar (database versions not stated): 1000 Genomes Project 0.02616; 1000 Genomes Project 30x 0.02764; TOPMed 0.03057; ESP Exome Variant Server 0.03253.
gnomAD v4.1: 25,332 of 1,610,934 alleles (1.6%); highest among the groups gnomAD compares: African/African-American, 6.5%; 359 homozygotes.

Submissions (2):

GeneDx
Classification: Benign. Last evaluated: 2018-06-14. Review status: criteria provided, single submitter. Criteria: GeneDx Variant Classification (06012015). Collection method: clinical testing. Allele origin: germline. Affected: yes.
Comment: This variant is considered likely benign or benign based on one or more of the following criteria: it is a conservative change, it occurs at a poorly conserved position in the protein, it is predicted to be benign by multiple in silico algorithms, and/or has population frequency not consistent with disease.

Breakthrough Genomics
Classification: Benign. Review status: criteria provided, single submitter. Criteria: ACMG Guidelines, 2015. Collection method: not provided. Allele origin: germline. Inheritance: Autosomal recessive inheritance. Affected: yes.